The following is an entry in ClinVar:

NM_016123.4(IRAK4):c.284C>T (p.Ala95Val)

Gene: IRAK4 (interleukin 1 receptor associated kinase 4; plus strand). Cytogenetic location: 12q12.
Variant type: single nucleotide variant.
Coding change: c.284C>T on transcript NM_016123.4 (MANE Select); coding-DNA position 284, C replaced by T.
Protein change: p.Ala95Val; replaces alanine 95 with valine.
Molecular consequence: missense variant. On other transcripts: 5 prime UTR variant (4), intron variant (6).
Genome position (GRCh38, 1-based): chr12:43,771,342, C>T. VCF-style: chr12-43771342-C-T. GRCh37 (hg19) VCF-style: chr12-44165145-C-T.
Other names: c.284C>T, p.Ala95Val (NM_001114182.3, NM_001351345.2); c.-89C>T (NM_001351339.2, NM_001351340.2, NM_001351341.2 and 1 more transcripts); c.-65-838C>T (NM_001351338.2, NM_001145256.2, NM_001145257.2 and 1 more transcripts); c.-216-838C>T (NM_001351343.2, NM_001351344.2); short protein forms A95V.
Identifiers: ClinVar variation 1042198 (VCV001042198.9), dbSNP rs1940738214, ClinGen allele CA384467005.

ClinVar aggregate classification (germline): Uncertain significance (1 of 4 stars; one submission).

Conditions:
Immunodeficiency 67. Also called: Immunodeficiency due to interleukin-1 receptor-associated kinase-4 deficiency. Identifiers: Orphanet 70592, MedGen C1843256, MONDO:0011888, OMIM 607676.

Allele frequency attached by ClinVar (database versions not stated): gnomAD exomes below 0.00001; TOPMed below 0.00001.

Submission:

Labcorp Genetics (formerly Invitae), Labcorp
Classification: Uncertain significance for Immunodeficiency 67. Last evaluated: 2024-10-16. Review status: criteria provided, single submitter. Criteria: Invitae Variant Classification Sherloc (09022015). Collection method: clinical testing. Allele origin: germline.
Comment: This sequence change replaces alanine, which is neutral and non-polar, with valine, which is neutral and non-polar, at codon 95 of the IRAK4 protein (p.Ala95Val). This variant is not present in population databases (gnomAD no frequency). This variant has not been reported in the literature in individuals affected with IRAK4-related conditions. ClinVar contains an entry for this variant (Variation ID: 1042198). Invitae Evidence Modeling of protein sequence and biophysical properties (such as structural, functional, and spatial information, amino acid conservation, physicochemical variation, residue mobility, and thermodynamic stability) indicates that this missense variant is not expected to disrupt IRAK4 protein function with a negative predictive value of 80%. In summary, the available evidence is currently insufficient to determine the role of this variant in disease. Therefore, it has been classified as a Variant of Uncertain Significance.